The following is an entry in ClinVar:

NM_001114134.2(EPB42):c.2044G>A (p.Val682Ile)

Gene: EPB42 (erythrocyte membrane protein band 4.2; minus strand). Cytogenetic location: 15q15.2.
Variant type: single nucleotide variant.
Coding change: c.2044G>A on transcript NM_001114134.2 (MANE Select); coding-DNA position 2044, G replaced by A.
Protein change: p.Val682Ile; replaces valine 682 with isoleucine.
Molecular consequence: missense variant.
Genome position (GRCh38, 1-based): chr15:43,197,334, C>T on the plus strand (G>A on the coding strand, the complement: EPB42 is on the minus strand). VCF-style: chr15-43197334-C-T. GRCh37 (hg19) VCF-style: chr15-43489532-C-T.
Other names: p.Val712Ile; c.2134G>A, p.Val712Ile (NM_000119.3); c.2134G>A (NM_000119.2); short protein forms V682I, V712I.
Identifiers: ClinVar variation 2041913 (VCV002041913.11), dbSNP rs149419129, ClinGen allele CA7520137.
Genomic context (GRCh38, chr15:43,197,334, plus strand): 5'-GCAGGAGAGTGGTGATAGAGCTGGAAGTTTAAGCTGATAGTTCAGGGGCTACCACGGTGA[C>T]GCTTTTATAGTTGGTTAGGTTCTGGAACATGTTGCAGTCCACTTCCACAGTGAGTCTCTG-3'
Protein context (NP_001107606.1, residues 672-691): MFQNLTNYKS[Val682Ile]TVVAPELSA

ClinVar aggregate classification (germline): Conflicting classifications of pathogenicity. Review status: criteria provided, conflicting classifications (1 of 4 stars). 5 submissions from 5 submitters: Uncertain significance (2); Likely benign (2). 1 of the submissions does not count toward it. Last evaluated 2025-12-18.

Conditions:
Hereditary spherocytosis type 5. Also called: EPB42-Related Hereditary Spherocytosis; EPB42-Related Spherocytosis. Identifiers: Orphanet 822, MedGen C2675192, MONDO:0012985, OMIM 612690.
EPB42-related disorder. Also called: EPB42-related condition.

Allele frequency attached by ClinVar (database versions not stated): gnomAD exomes 0.00013; 1000 Genomes Project 30x 0.00016; 1000 Genomes Project 0.00020; ExAC 0.00026; gnomAD 0.00069; ESP Exome Variant Server 0.00085; TOPMed 0.00086.
gnomAD v4.1: 289 of 1,614,174 alleles (0.018%); highest among the groups gnomAD compares: African/African-American, 0.24%; 1 homozygote.

Submissions (5):

Labcorp Genetics (formerly Invitae), Labcorp
Classification: Likely benign. Last evaluated: 2025-12-18. Review status: criteria provided, single submitter. Criteria: Invitae Variant Classification Sherloc (09022015). Collection method: clinical testing. Allele origin: germline.

ARUP Laboratories, Molecular Genetics and Genomics, ARUP Laboratories
Classification: Uncertain significance for Hereditary spherocytosis type 5. Last evaluated: 2024-07-17. Review status: criteria provided, single submitter. Criteria: ARUP Molecular Germline Variant Investigation Process 2024. Collection method: clinical testing. Allele origin: germline.
Comment: The EPB42 c.2134G>A; p.Val712Ile variant (rs149419129), to our knowledge, is not reported in the medical literature but is reported in ClinVar (Variation ID: 2041913). This variant is found in the African/African-American population with an allele frequency of 0.25% (62/24966 alleles) in the Genome Aggregation Database (v2.1.1). Computational analyses predict that this variant is neutral (REVEL: 0.122). Due to limited information, the clinical significance of this variant is uncertain at this time.

Revvity Omics, Revvity
Classification: Likely benign for Hereditary spherocytosis type 5. Last evaluated: 2023-09-24. Review status: criteria provided, single submitter. Criteria: ACMG Guidelines, 2015. Collection method: clinical testing. Allele origin: germline.

Mayo Clinic Laboratories, Mayo Clinic
Classification: Uncertain significance. Last evaluated: 2023-03-01. Review status: criteria provided, single submitter. Criteria: ACMG Guidelines, 2015. Collection method: clinical testing. Allele origin: germline. Observed: 2 variant alleles.
Comment: BP4_strong

PreventionGenetics, part of Exact Sciences
Classification: Likely benign for EPB42-related condition. Last evaluated: 2023-11-08. Review status: no assertion criteria provided. Collection method: clinical testing. Allele origin: germline. Not counted in ClinVar's aggregate classification.
Comment: This variant is classified as likely benign based on ACMG/AMP sequence variant interpretation guidelines (Richards et al. 2015 PMID: 25741868, with internal and published modifications).